The following is an entry in ClinVar:

ClinVar aggregate classification (germline): Uncertain significance. Review status: criteria provided, multiple submitters, no conflicts (2 of 4 stars). 4 submissions from 4 submitters: Uncertain significance (3). 1 of the submissions does not count toward it. Last evaluated 2024-07-12.

Conditions:
Congenital malabsorptive diarrhea 4. Also called: DIARRHEA 4, MALABSORPTIVE, CONGENITAL, WITH DIABETES MELLITUS AND COMBINED PITUITARY HORMONE DEFICIENCY; ENTERIC ANENDOCRINOSIS. Identifiers: Orphanet 83620, MedGen C1835888, MONDO:0012479, OMIM 610370, HP:6001346.

Allele frequency attached by ClinVar (database versions not stated): ExAC 0.00001; gnomAD exomes 0.00001; TOPMed 0.00001.
gnomAD v4.1: 5 of 1,614,048 alleles (0.00031%); highest among the groups gnomAD compares: Admixed American, 0.0083%; no homozygotes.

Submissions (4):

GeneDx
Classification: Uncertain significance. Last evaluated: 2024-07-12. Review status: criteria provided, single submitter. Criteria: GeneDx Variant Classification Process June 2021. Collection method: clinical testing. Allele origin: germline. Affected: yes.
Comment: In silico analysis supports that this missense variant has a deleterious effect on protein structure/function; Has not been previously published as pathogenic or benign to our knowledge

Labcorp Genetics (formerly Invitae), Labcorp
Classification: Uncertain significance. Last evaluated: 2022-07-12. Review status: criteria provided, single submitter. Criteria: Invitae Variant Classification Sherloc (09022015). Collection method: clinical testing. Allele origin: germline.
Comment: This variant is present in population databases (rs758978508, gnomAD 0.006%). In summary, the available evidence is currently insufficient to determine the role of this variant in disease. Therefore, it has been classified as a Variant of Uncertain Significance. Algorithms developed to predict the effect of missense changes on protein structure and function (SIFT, PolyPhen-2, Align-GVGD) all suggest that this variant is likely to be disruptive. ClinVar contains an entry for this variant (Variation ID: 1474835). This variant has not been reported in the literature in individuals affected with NEUROG3-related conditions. This sequence change replaces tyrosine, which is neutral and polar, with cysteine, which is neutral and slightly polar, at codon 131 of the NEUROG3 protein (p.Tyr131Cys).

Fulgent Genetics
Classification: Uncertain significance for Congenital malabsorptive diarrhea 4. Last evaluated: 2022-04-07. Review status: criteria provided, single submitter. Criteria: ACMG Guidelines, 2015. Collection method: clinical testing. Allele origin: unknown.

Undiagnosed Diseases Network, NIH
Classification: Uncertain significance for Congenital malabsorptive diarrhea 4. Last evaluated: 2022-05-10. Review status: no assertion criteria provided. Collection method: clinical testing. Allele origin: paternal. Affected: yes. Observed: 1 variant allele, 1 compound heterozygote. Study: Undiagnosed Diseases Network (NIH), UDN. Not counted in ClinVar's aggregate classification.

NM_020999.4(NEUROG3):c.392A>G (p.Tyr131Cys)

Gene: NEUROG3 (neurogenin 3; minus strand). Cytogenetic location: 10q22.1.
Variant type: single nucleotide variant.
Coding change: c.392A>G on transcript NM_020999.4 (MANE Select); coding-DNA position 392, A replaced by G.
Protein change: p.Tyr131Cys; replaces tyrosine 131 with cysteine.
Molecular consequence: missense variant.
Genome position (GRCh38, 1-based): chr10:69,572,652, T>C on the plus strand (A>G on the coding strand, the complement: NEUROG3 is on the minus strand). VCF-style: chr10-69572652-T-C. GRCh37 (hg19) VCF-style: chr10-71332408-T-C.
Other names: p.Y131C; c.392A>G (NM_020999.3); short protein forms Y131C.
Identifiers: ClinVar variation 1474835 (VCV001474835.10), dbSNP rs758978508, ClinGen allele CA5533714.